The following is an entry in ClinVar:

ClinVar aggregate classification (germline): Uncertain significance (1 of 4 stars; one submission).

Conditions:
NSD2-related neurodevelopmental disorder.

Submission:

Illumina Laboratory Services, Illumina
Classification: Uncertain significance for NSD2-related neurodevelopmental disorder. Last evaluated: 2022-03-03. Review status: criteria provided, single submitter. Criteria: ICSLVariantClassificationCriteria RUGD 01 April 2020. Collection method: clinical testing. Allele origin: unknown.
Comment: The NSD2 c.3019A>C (p.Thr1007Pro) missense variant results in the substitution of threonine at amino acid position 1007 with proline. To our knowledge, this variant has not been reported in the peer-reviewed literature. This variant is not found in version 2.1.1 or version 3.1.2 of the Genome Aggregation Database. Based on the available evidence, the c.3019A>C (p.Thr1007Pro) variant is classified as a variant of uncertain significance for NSD2-related neurodevelopmental disorder.

NM_001042424.3(NSD2):c.3019A>C (p.Thr1007Pro)

Gene: NSD2 (nuclear receptor binding SET domain protein 2; plus strand). Cytogenetic location: 4p16.3.
Variant type: single nucleotide variant.
Coding change: c.3019A>C on transcript NM_001042424.3 (MANE Select); coding-DNA position 3019, A replaced by C.
Protein change: p.Thr1007Pro; replaces threonine 1007 with proline.
Molecular consequence: missense variant.
Genome position (GRCh38, 1-based): chr4:1,959,504, A>C. VCF-style: chr4-1959504-A-C. GRCh37 (hg19) VCF-style: chr4-1961231-A-C.
Other names: c.3019A>C, p.Thr1007Pro (NM_133330.3, NM_133331.3, NM_133335.4); short protein forms T1007P.
Identifiers: ClinVar variation 1693301 (VCV001693301.3), dbSNP rs2108971216, ClinGen allele CA355994606.